The following is an entry in ClinVar:

NM_004360.5(CDH1):c.169T>G (p.Phe57Val)

Gene: CDH1 (cadherin 1; plus strand). Cytogenetic location: 16q22.1.
Variant type: single nucleotide variant.
Coding change: c.169T>G on transcript NM_004360.5 (MANE Select); coding-DNA position 169, T replaced by G.
Protein change: p.Phe57Val; replaces phenylalanine 57 with valine.
Molecular consequence: missense variant. On other transcripts: 5 prime UTR variant (2).
Genome position (GRCh38, 1-based): chr16:68,801,675, T>G. VCF-style: chr16-68801675-T-G. GRCh37 (hg19) VCF-style: chr16-68835578-T-G.
Other names: c.169T>G, p.Phe57Val (NM_001317184.2); c.-1447T>G (NM_001317185.2); c.-1651T>G (NM_001317186.2); short protein forms F57V.
Identifiers: ClinVar variation 1348699 (VCV001348699.6), dbSNP rs2152126595, ClinGen allele CA396457086.

ClinVar aggregate classification (germline): Uncertain significance (1 of 4 stars; one submission).

Conditions:
Hereditary diffuse gastric adenocarcinoma (HDGC). Also called: DIFFUSE GASTRIC AND LOBULAR BREAST CANCER SYNDROME. Identifiers: Orphanet 26106, MedGen C1708349, MONDO:0007648, OMIM 137215.

Submission:

Labcorp Genetics (formerly Invitae), Labcorp
Classification: Uncertain significance for Hereditary diffuse gastric adenocarcinoma. Last evaluated: 2025-07-19. Review status: criteria provided, single submitter. Criteria: Invitae Variant Classification Sherloc (09022015). Collection method: clinical testing. Allele origin: germline.
Comment: This sequence change replaces phenylalanine, which is neutral and non-polar, with valine, which is neutral and non-polar, at codon 57 of the CDH1 protein (p.Phe57Val). This variant is not present in population databases (gnomAD no frequency). This variant has not been reported in the literature in individuals affected with CDH1-related conditions. ClinVar contains an entry for this variant (Variation ID: 1348699). An algorithm developed to predict the effect of missense changes on protein structure and function (PolyPhen-2) suggests that this variant is likely to be disruptive. In summary, the available evidence is currently insufficient to determine the role of this variant in disease. Therefore, it has been classified as a Variant of Uncertain Significance.